The following is an entry in ClinVar:

NR_003051.4(RMRP):n.-21_-13dup

Gene: RMRP (RNA component of mitochondrial RNA processing endoribonuclease; minus strand). Cytogenetic location: 9p13.3.
Variant type: Duplication.
Genome position: GRCh38 VCF-style: chr9-35658031-T-TCACAGAGTA. GRCh37 (hg19) VCF-style: chr9-35658028-T-TCACAGAGTA.
Identifiers: ClinVar variation 647397 (VCV000647397.20), dbSNP rs1563908167, ClinGen allele CA587570235.

ClinVar aggregate classification (germline): Pathogenic/Likely pathogenic. Review status: criteria provided, multiple submitters, no conflicts (2 of 4 stars). 7 submissions from 7 submitters: Pathogenic (2); Likely pathogenic (5). Last evaluated 2025-12-30.

Conditions:
Anauxetic dysplasia. Identifiers: Orphanet 93347, MedGen C1846796, MONDO:0011773.
RMRP-related disorder. Also called: RMRP-related condition.
Anauxetic dysplasia 1 (ANXD1). Also called: Anauxetic Dysplasia (AD). Identifiers: Orphanet 93347, MedGen C4551965, MONDO:0054560, OMIM 607095.
Metaphyseal dysplasia without hypotrichosis. Also called: CARTILAGE-HAIR HYPOPLASIA VARIANT, SKELETAL MANIFESTATIONS ONLY; CARTILAGE-HAIR HYPOPLASIA-LIKE SKELETAL DYSPLASIA WITHOUT HYPOTRICHOSIS OR IMMUNODEFICIENCY; Metaphyseal Dysplasia without Hypotrichosis (MDWH). Identifiers: MedGen C1834821, MONDO:0009601, OMIM 250460.
Metaphyseal chondrodysplasia, McKusick type (CHH). Also called: Cartilage-Hair Hypoplasia (CHH); Cartilage-hair hypoplasia. Identifiers: Orphanet 175, MedGen C0220748, MONDO:0009595, OMIM 250250.

Allele frequency attached by ClinVar (database versions not stated): gnomAD exomes below 0.00001 and 0.00001.

Submissions (7):

Labcorp Genetics (formerly Invitae), Labcorp
Classification: Pathogenic for Anauxetic dysplasia. Last evaluated: 2025-12-30. Review status: criteria provided, single submitter. Criteria: Invitae Variant Classification Sherloc (09022015). Collection method: clinical testing. Allele origin: germline.
Comment: This variant occurs in the RMRP gene, which encodes an RNA molecule that does not result in a protein product. This variant is present in population databases (no rsID available, gnomAD 0.005%). This variant has been observed in individuals with cartilage-hair hypoplasia (PMID: 16244706). Other insertions and duplications immediately upstream of the coding sequence have been reported in individuals affected with cartilage-hair hypoplasia-anauxetic dysplasia (CHH-AD) spectrum disorders (PMID: 16244706, 11207361, 12107819). ClinVar contains an entry for this variant (Variation ID: 647397). While functional studies for this variant have not been reported, experimental analyses using patient derived cells, as well as in vitro transfection studies, have shown that promoter insertions result in silencing of RMRP transcription and reduced expression of the gene product (PMID: 11207361, 16254002). For these reasons, this variant has been classified as Pathogenic.

GeneDx
Classification: Likely pathogenic. Last evaluated: 2025-06-30. Review status: criteria provided, single submitter. Criteria: GeneDx Variant Classification Process June 2021. Collection method: clinical testing. Allele origin: germline. Affected: yes.
Comment: Duplication, triplication, and insertion variants in the promoter region reduce RNA expression (PMID: 21146796, 11207361); Not observed at significant frequency in large population cohorts (gnomAD); Reported along with a second variant in the RMRP gene in a patient with cartilage-hair hypoplasia in the published literature; however, segregation information was not provided (PMID: 32021596); In the absence of RNA/functional studies, the actual effect of this sequence change is unknown; Located in a non-coding RNA; Also known as n.-23_-15dup; This variant is associated with the following publications: (PMID: 11207361, 21146796, 32021596, 16244706)

Natera, Inc.
Classification: Likely pathogenic for Cartilage-hair hypoplasia. Last evaluated: 2025-04-11. Review status: criteria provided, single submitter. Criteria: Natera Variant Classification Schema (03/2026). Collection method: clinical testing. Allele origin: germline.
Comment: The n.-22_-14dupTACTCTGTG variant in RMRP is a duplication affecting the RMRP promoter region between the TATA box and the transcription initiation site. Other duplications and insertions just upstream of the transcription initiation site have been reported in individuals affected with cartilage-hair hypoplasia (PMID: 11207361, 17937437). This variant is rare in the general population with a frequency below the threshold expected for the associated phenotype(s). This variant has been observed in one or more individuals affected with the associated recessive disease, as either homozygous or compound heterozygous with a second variant (PMID: 16244706, 32021596). Given the available evidence, this variant is classified as Likely Pathogenic.

Laboratorio de Biologia Molecular/Medicina Genomica - IFF/Fiocruz, Instituto Fernandes Figueira, Fundacao Oswaldo Cruz
Classification: Pathogenic for Metaphyseal chondrodysplasia, McKusick type. Last evaluated: 2024-01-25. Review status: criteria provided, single submitter. Criteria: ACMG Guidelines, 2015. Collection method: clinical testing. Allele origin: germline. Affected: yes. Observed: 1 variant allele.
Comment: This alteration is located within the promoter region of the RMRP gene, which encodes an untranslated RNA. Other insertions and duplications in this region have been reported in individuals affected with cartilage-hair hypoplasia-anauxetic dysplasia spectrum disorders (PMID: 11207361, 21956908, 21396580). This variant involves the duplication of 9 nucleotides between the TATA box and the transcription initiation site and functional studies have shown that this type of alteration result in reduced expression of the RMRP gene (PMIDs: 11207361, 16254002). For these reasons, this variant has been classified as Pathogenic.

Fulgent Genetics
Classification: Likely pathogenic for Metaphyseal chondrodysplasia, McKusick type; Metaphyseal dysplasia without hypotrichosis; Anauxetic dysplasia 1. Last evaluated: 2021-07-05. Review status: criteria provided, single submitter. Criteria: ACMG Guidelines, 2015. Collection method: clinical testing. Allele origin: unknown.

Blueprint Genetics
Classification: Likely pathogenic for RMRP-related disorders. Last evaluated: 2020-09-15. Review status: criteria provided, single submitter. Criteria: ACMG Guidelines, 2015. Collection method: clinical testing. Allele origin: germline. Affected: yes. Observed: 1 variant allele.

Women's Health and Genetics/Laboratory Corporation of America, LabCorp
Classification: Likely pathogenic for Metaphyseal chondrodysplasia, McKusick type. Last evaluated: 2020-07-20. Review status: criteria provided, single submitter. Criteria: LabCorp Variant Classification Summary - May 2015. Collection method: clinical testing. Allele origin: germline.
Comment: Variant summary: RMRP n.-22_-14dupTACTCTGTG is located in the untranscribed region upstream of the RMRP coding sequence, and involves the duplication of 9 nucleotides in the promoter region, which is located between the TATA box (-33 to -25) and the transcription initiation site. Other insertions or duplications in the promoter region of RMRP have been classified as pathogenic (internally and in ClinVar). The variant allele was found at a frequency of 8e-06 in 124400 control chromosomes (gnomAD). The variant, n.-22_-14dupTACTCTGTG, has been reported in the literature in a compound heterozygous individual affected with Cartilage-Hair Hypoplasia (Bonafe_2005). To our knowledge, no experimental evidence demonstrating an impact on protein function has been reported. However, many other insertions or duplications in the promoter region of RMRP have been reported in affected individuals in the literature (e.g. PMIDs: 21956908, 21396580) and have been demonstrated through functional studies to lead to reduced RMRP transcription (e.g. PMIDs: 11207361, 16254002). One clinical diagnostic laboratory has submitted clinical-significance assessments for this variant to ClinVar after 2014, and classified the variant as likely pathogenic. Based on the evidence outlined above, the variant was classified as likely pathogenic.

Literature cited by the submitters: PubMed 16244706 (cited by 3 submitters); PubMed 11207361 (cited by Labcorp Genetics (formerly Invitae), Labcorp and Natera, Inc.); PubMed 12107819 (cited by Labcorp Genetics (formerly Invitae), Labcorp); PubMed 16254002 (cited by Labcorp Genetics (formerly Invitae), Labcorp); PubMed 17937437 (cited by Natera, Inc.); PubMed 32021596 (cited by Natera, Inc. and Laboratorio de Biologia Molecular/Medicina Genomica - IFF/Fiocruz, Instituto Fernandes Figueira, Fundacao Oswaldo Cruz).